The following is an entry in ClinVar:

ClinVar aggregate classification (germline): Likely benign. Review status: criteria provided, multiple submitters, no conflicts (2 of 4 stars). 2 submissions from 2 submitters: Likely benign (2). Last evaluated 2024-12-19.

Conditions:
PKD1L1-related disorder. Also called: PKD1L1-related condition.

Allele frequency attached by ClinVar (database versions not stated): gnomAD exomes 0.00006; ExAC 0.00007; gnomAD 0.00007; TOPMed 0.00007; ESP Exome Variant Server 0.00023.
gnomAD v4.1: 94 of 1,613,990 alleles (0.0058%); highest among the groups gnomAD compares: Non-Finnish European, 0.0078%; no homozygotes.

Submissions (2):

PreventionGenetics, part of Exact Sciences
Classification: Likely benign for PKD1L1-related condition. Last evaluated: 2024-12-19. Review status: criteria provided, single submitter. Criteria: ACMG Guidelines, 2015. Collection method: clinical testing. Allele origin: germline.
Comment: This variant is classified as likely benign based on ACMG/AMP sequence variant interpretation guidelines (Richards et al. 2015 PMID: 25741868, with internal and published modifications).

Labcorp Genetics (formerly Invitae), Labcorp
Classification: Likely benign. Last evaluated: 2018-07-26. Review status: criteria provided, single submitter. Criteria: Invitae Variant Classification Sherloc (09022015). Collection method: clinical testing. Allele origin: germline.

NM_138295.5(PKD1L1):c.8436C>A (p.Leu2812=)

Gene: PKD1L1 (polycystin 1 like 1, transient receptor potential channel interacting; minus strand). Cytogenetic location: 7p12.3.
Variant type: single nucleotide variant.
Coding change: c.8436C>A on transcript NM_138295.5 (MANE Select); coding-DNA position 8436, C replaced by A.
Protein change: p.Leu2812=; no amino-acid change (leucine 2812 retained).
Molecular consequence: synonymous variant.
Genome position (GRCh38, 1-based): chr7:47,792,717, G>T on the plus strand (C>A on the coding strand, the complement: PKD1L1 is on the minus strand). VCF-style: chr7-47792717-G-T. GRCh37 (hg19) VCF-style: chr7-47832315-G-T.
Identifiers: ClinVar variation 757820 (VCV000757820.4), dbSNP rs142464091, ClinGen allele CA4251725.
Genomic context (GRCh38, chr7:47,792,717, plus strand): 5'-TAAGGGACTCTCTTCTGTCCTTGCCTCCCCTGTGTTGTTGGATGTTTTTTCCAGAAGGGG[G>T]AGTTGTAGGCTGTCGGACAAACCATTAATCTTCATCAGAAGTTCGTCTAACAGATTTGCA-3'
Protein context (NP_612152.1, residues 2802-2822): KINGLSDSLQ[Leu2812=]PLLEKTSNNT